The following is an entry in ClinVar:

NM_001232.4(CASQ2):c.663G>C (p.Met221Ile)

Gene: CASQ2 (calsequestrin 2; minus strand). Cytogenetic location: 1p13.1.
Variant type: single nucleotide variant.
Coding change: c.663G>C on transcript NM_001232.4 (MANE Select); coding-DNA position 663, G replaced by C.
Protein change: p.Met221Ile; replaces methionine 221 with isoleucine.
Molecular consequence: missense variant.
Genome position (GRCh38, 1-based): chr1:115,727,066, C>G on the plus strand (G>C on the coding strand, the complement: CASQ2 is on the minus strand). VCF-style: chr1-115727066-C-G. GRCh37 (hg19) VCF-style: chr1-116269687-C-G.
Other names: short protein forms M221I.
Identifiers: ClinVar variation 3221465 (VCV003221465.1), dbSNP rs2464892883, ClinGen allele CA341768778.

ClinVar aggregate classification (germline): Uncertain significance (1 of 4 stars; one submission).

Conditions:
Cardiovascular phenotype. Identifiers: MedGen CN230736.

Submission:

Ambry Genetics
Classification: Uncertain significance for Cardiovascular phenotype. Last evaluated: 2023-10-19. Review status: criteria provided, single submitter. Criteria: Ambry Variant Classification Scheme 2023. Collection method: clinical testing. Allele origin: germline.
Comment: The p.M221I variant (also known as c.663G>C), located in coding exon 6 of the CASQ2 gene, results from a G to C substitution at nucleotide position 663. The methionine at codon 221 is replaced by isoleucine, an amino acid with highly similar properties. This amino acid position is conserved. In addition, the in silico prediction for this alteration is inconclusive. Since supporting evidence is limited at this time, the clinical significance of this alteration remains unclear.